The following is an entry in ClinVar:

NM_001005361.3(DNM2):c.1196+643del

Gene: DNM2 (dynamin 2; plus strand). Cytogenetic location: 19p13.2.
Variant type: Deletion.
Coding change: c.1196+643del on transcript NM_001005361.3 (MANE Select); 643 bases into the intron after coding-DNA position 1196, one base deleted (C; older notation c.1196+643delC).
Molecular consequence: intron variant. On other transcripts: frameshift variant (4).
Genome position (GRCh38, 1-based): chr19:10,796,082, C deleted. VCF-style (leftmost placement, unchanged base first): chr19-10796081-AC-A. GRCh37 (hg19) VCF-style: chr19-10906757-AC-A.
Other names: p.Leu407Trpfs*7; c.1218delC, p.Leu407Trpfs (NM_001005360.2); c.1218del, p.Leu407fs (NM_001005360.3, NM_001190716.2, NM_004945.4); c.1196+643del (NM_001005362.3); short protein forms L407fs.
Identifiers: ClinVar variation 3380580 (VCV003380580.1).
Genomic context (GRCh38, chr19:10,796,081, plus strand): 5'-CTGACTTATCTCCCCTGCCCCCGGGTCTGGACGGTTTCAGGACCGGGCTTTTCACCCCGG[AC>A]TTGGCATTCGAGGCCATTGTGAAAAAGCAGGTCGTCAAGCTGAAAGAGCCCTGTCTGAAA-3'

ClinVar aggregate classification (germline): Uncertain significance (1 of 4 stars; one submission).

Submission:

Mayo Clinic Laboratories, Mayo Clinic
Classification: Uncertain significance. Last evaluated: 2024-06-04. Review status: criteria provided, single submitter. Criteria: ACMG Guidelines, 2015. Collection method: clinical testing. Allele origin: germline. Observed: 1 variant allele.
Comment: PM2